The following is an entry in ClinVar:

NM_000392.5(ABCC2):c.1433C>T (p.Ala478Val)

Gene: ABCC2 (ATP binding cassette subfamily C member 2; plus strand). Cytogenetic location: 10q24.2.
Variant type: single nucleotide variant.
Coding change: c.1433C>T on transcript NM_000392.5 (MANE Select); coding-DNA position 1433, C replaced by T.
Protein change: p.Ala478Val; replaces alanine 478 with valine.
Molecular consequence: missense variant.
Genome position (GRCh38, 1-based): chr10:99,804,242, C>T. VCF-style: chr10-99804242-C-T. GRCh37 (hg19) VCF-style: chr10-101563999-C-T.
Other names: short protein forms A478V.
Identifiers: ClinVar variation 4980163 (VCV004980163.1).

ClinVar aggregate classification (germline): Likely benign (1 of 4 stars; one submission).

Conditions:
ABCC2-related disorder. Also called: ABCC2-related condition.

gnomAD v4.1: 210 of 1,613,918 alleles (0.013%); highest among the groups gnomAD compares: South Asian, 0.17%; 5 homozygotes.

Submission:

PreventionGenetics, part of Exact Sciences
Classification: Likely benign for ABCC2-related condition. Last evaluated: 2025-05-22. Review status: criteria provided, single submitter. Criteria: ACMG Guidelines, 2015. Collection method: clinical testing. Allele origin: germline.
Comment: This variant is classified as likely benign based on ACMG/AMP sequence variant interpretation guidelines (Richards et al. 2015 PMID: 25741868, with internal and published modifications).